The following is an entry in ClinVar:

NM_139056.4(ADAMTS16):c.2502C>A (p.Thr834=)

Gene: ADAMTS16 (ADAM metallopeptidase with thrombospondin type 1 motif 16; plus strand). Cytogenetic location: 5p15.32.
Variant type: single nucleotide variant.
Coding change: c.2502C>A on transcript NM_139056.4 (MANE Select); coding-DNA position 2502, C replaced by A.
Protein change: p.Thr834=; no amino-acid change (threonine 834 retained).
Molecular consequence: synonymous variant. On other transcripts: non-coding transcript variant (1).
Genome position (GRCh38, 1-based): chr5:5,239,904, C>A. VCF-style: chr5-5239904-C-A. GRCh37 (hg19) VCF-style: chr5-5240017-C-A.
Identifiers: ClinVar variation 2655285 (VCV002655285.24), dbSNP rs72647759, ClinGen allele CA3190011.

ClinVar aggregate classification (germline): Likely benign (1 of 4 stars; one submission).

Allele frequency attached by ClinVar (database versions not stated): 1000 Genomes Project 30x 0.00109; 1000 Genomes Project 0.00140; gnomAD 0.00319; ESP Exome Variant Server 0.00375; ExAC 0.00377.
gnomAD v4.1: 6,586 of 1,613,912 alleles (0.41%); highest among the groups gnomAD compares: Non-Finnish European, 0.48%; 23 homozygotes.

Submission:

CeGaT Center for Human Genetics Tuebingen
Classification: Likely benign. Last evaluated: 2023-02-01. Review status: criteria provided, single submitter. Criteria: CeGaT Center For Human Genetics Tuebingen Variant Classification Criteria Version 2. Collection method: clinical testing. Allele origin: germline. Affected: yes. Observed: 2 variant alleles.
Comment: ADAMTS16: BP4, BP7